The following is an entry in ClinVar:

ClinVar aggregate classification (germline): Uncertain significance (1 of 4 stars; one submission).

Allele frequency attached by ClinVar (database versions not stated): gnomAD exomes below 0.00001 and 0.00001; ExAC 0.00001.

Submission:

Labcorp Genetics (formerly Invitae), Labcorp
Classification: Uncertain significance. Last evaluated: 2024-11-21. Review status: criteria provided, single submitter. Criteria: Invitae Variant Classification Sherloc (09022015). Collection method: clinical testing. Allele origin: germline.
Comment: This sequence change replaces threonine, which is neutral and polar, with methionine, which is neutral and non-polar, at codon 507 of the GATAD2B protein (p.Thr507Met). This variant is present in population databases (rs778803201, gnomAD 0.0009%). This variant has not been reported in the literature in individuals affected with GATAD2B-related conditions. ClinVar contains an entry for this variant (Variation ID: 1370130). Invitae Evidence Modeling of protein sequence and biophysical properties (such as structural, functional, and spatial information, amino acid conservation, physicochemical variation, residue mobility, and thermodynamic stability) indicates that this missense variant is not expected to disrupt GATAD2B protein function with a negative predictive value of 80%. In summary, the available evidence is currently insufficient to determine the role of this variant in disease. Therefore, it has been classified as a Variant of Uncertain Significance.

NM_020699.4(GATAD2B):c.1520C>T (p.Thr507Met)

Gene: GATAD2B (GATA zinc finger domain containing 2B; minus strand). Cytogenetic location: 1q21.3.
Variant type: single nucleotide variant.
Coding change: c.1520C>T on transcript NM_020699.4 (MANE Select); coding-DNA position 1520, C replaced by T.
Protein change: p.Thr507Met; replaces threonine 507 with methionine.
Molecular consequence: missense variant.
Genome position (GRCh38, 1-based): chr1:153,812,032, G>A on the plus strand (C>T on the coding strand, the complement: GATAD2B is on the minus strand). VCF-style: chr1-153812032-G-A. GRCh37 (hg19) VCF-style: chr1-153784508-G-A.
Other names: short protein forms T507M.
Identifiers: ClinVar variation 1370130 (VCV001370130.6), dbSNP rs778803201, ClinGen allele CA1120630.